The following is an entry in ClinVar:

ClinVar aggregate classification (germline): Benign (0 of 4 stars; one submission).

Conditions:
SERPINA3-related disorder. Also called: SERPINA3-related condition.

Allele frequency attached by ClinVar (database versions not stated): 1000 Genomes Project 30x 0.00437; 1000 Genomes Project 0.00499; TOPMed 0.00884; ESP Exome Variant Server 0.01084; ExAC 0.01164; gnomAD 0.01236; gnomAD exomes 0.01573.

Submission:

PreventionGenetics, part of Exact Sciences
Classification: Benign for SERPINA3-related condition. Last evaluated: 2019-09-17. Review status: no assertion criteria provided. Collection method: clinical testing. Allele origin: germline.
Comment: This variant is classified as benign based on ACMG/AMP sequence variant interpretation guidelines (Richards et al. 2015 PMID: 25741868, with internal and published modifications).

NM_001085.5(SERPINA3):c.1041A>G (p.Thr347=)

Gene: SERPINA3 (serpin family A member 3; plus strand). Cytogenetic location: 14q32.13.
Variant type: single nucleotide variant.
Coding change: c.1041A>G on transcript NM_001085.5 (MANE Select); coding-DNA position 1041, A replaced by G.
Protein change: p.Thr347=; no amino-acid change (threonine 347 retained).
Molecular consequence: synonymous variant.
Genome position (GRCh38, 1-based): chr14:94,622,464, A>G. VCF-style: chr14-94622464-A-G. GRCh37 (hg19) VCF-style: chr14-95088801-A-G.
Other names: c.1041A>G, p.Thr347= (NM_001384672.1, NM_001384673.1, NM_001384674.1).
Identifiers: ClinVar variation 3037310 (VCV003037310.2), dbSNP rs1802958, ClinGen allele CA7329984.